The following is an entry in ClinVar:

NM_000962.4(PTGS1):c.960C>G (p.Pro320=)

Genes: PTGS1 (prostaglandin-endoperoxide synthase 1; plus strand), LOC126860757 (P300/CBP strongly-dependent group 1 enhancer GRCh37_chr9:125145815-125147014; plus strand). Cytogenetic location: 9q33.2.
Variant type: single nucleotide variant.
Coding change: c.960C>G on transcript NM_000962.4 (MANE Select); coding-DNA position 960, C replaced by G.
Protein change: p.Pro320=; no amino-acid change (proline 320 retained).
Molecular consequence: synonymous variant.
Genome position (GRCh38, 1-based): chr9:122,383,706, C>G. VCF-style: chr9-122383706-C-G. GRCh37 (hg19) VCF-style: chr9-125145985-C-G.
Other names: p.Pro320=; c.885C>G, p.Pro295= (NM_001271368.2); c.960C>G, p.Pro320= (NM_080591.3); c.816C>G, p.Pro272= (NM_001271164.2); c.633C>G, p.Pro211= (NM_001271165.2, NM_001271166.2, NM_001271367.2).
Identifiers: ClinVar variation 2659482 (VCV002659482.25), dbSNP rs145581212, ClinGen allele CA5224989.

ClinVar aggregate classification (germline): Benign/Likely benign. Review status: criteria provided, multiple submitters, no conflicts (2 of 4 stars). 2 submissions from 2 submitters: Benign (1); Likely benign (1). Last evaluated 2024-10-11.

Allele frequency attached by ClinVar (database versions not stated): 1000 Genomes Project 30x 0.00094; 1000 Genomes Project 0.00120; ESP Exome Variant Server 0.00446.
gnomAD v4.1: 7,745 of 1,613,882 alleles (0.48%); highest among the groups gnomAD compares: Non-Finnish European, 0.54%; 28 homozygotes.

Submissions (2):

Mayo Clinic Laboratories, Mayo Clinic
Classification: Benign. Last evaluated: 2024-10-11. Review status: criteria provided, single submitter. Criteria: ACMG Guidelines, 2015. Collection method: clinical testing. Allele origin: germline. Observed: 5 variant alleles.
Comment: BS1, BS2, BP4, BP7

CeGaT Center for Human Genetics Tuebingen
Classification: Likely benign. Last evaluated: 2022-05-01. Review status: criteria provided, single submitter. Criteria: CeGaT Center For Human Genetics Tuebingen Variant Classification Criteria Version 2. Collection method: clinical testing. Allele origin: germline. Affected: yes. Observed: 2 variant alleles.
Comment: PTGS1: BP4, BP7